The following is an entry in ClinVar:

ClinVar aggregate classification (germline): Likely pathogenic. Review status: criteria provided, multiple submitters, no conflicts (2 of 4 stars). 2 submissions from 2 submitters: Likely pathogenic (2). Last evaluated 2023-01-07.

Conditions:
Glycine encephalopathy. Also called: Nonketotic hyperglycinemia; Non-ketotic hyperglycinemia. Identifiers: Orphanet 407, MedGen C0751748, MONDO:0011612, HP:0008288.

Submissions (2):

Baylor Genetics
Classification: Likely pathogenic for Glycine encephalopathy 1. Last evaluated: 2023-01-07. Review status: criteria provided, single submitter. Criteria: ACMG Guidelines, 2015. Collection method: clinical testing. Allele origin: unknown.

Labcorp Genetics (formerly Invitae), Labcorp
Classification: Likely pathogenic for Glycine encephalopathy. Last evaluated: 2022-07-03. Review status: criteria provided, single submitter. Criteria: Invitae Variant Classification Sherloc (09022015). Collection method: clinical testing. Allele origin: germline.
Comment: In summary, the currently available evidence indicates that the variant is pathogenic, but additional data are needed to prove that conclusively. Therefore, this variant has been classified as Likely Pathogenic. Algorithms developed to predict the effect of sequence changes on RNA splicing suggest that this variant may disrupt the consensus splice site. This variant has not been reported in the literature in individuals affected with AMT-related conditions. This variant is not present in population databases (gnomAD no frequency). This sequence change affects a splice site in intron 4 of the AMT gene. It is expected to disrupt RNA splicing. Variants that disrupt the donor or acceptor splice site typically lead to a loss of protein function (PMID: 16199547), and loss-of-function variants in AMT are known to be pathogenic (PMID: 16450403).

Literature cited by the submitters: PubMed 16199547 (cited by Labcorp Genetics (formerly Invitae), Labcorp); PubMed 16450403 (cited by Labcorp Genetics (formerly Invitae), Labcorp).

NM_000481.4(AMT):c.471+2_471+7del

Gene: AMT (aminomethyltransferase; minus strand). Cytogenetic location: 3p21.31.
Variant type: Deletion.
Coding change: c.471+2_471+7del on transcript NM_000481.4 (MANE Select); the canonical splice donor site of the intron after coding-DNA position 471 through 7 bases into the intron after coding-DNA position 471, 6 bases deleted (TATACC; older notation c.471+2_471+7delTATACC).
Molecular consequence: splice donor variant. On other transcripts: intron variant (1).
Genome position (GRCh38, 1-based): chr3:49,420,204-49,420,209, GGTATA deleted on the plus strand (TATACC on the coding strand, the reverse complement: AMT is on the minus strand). VCF-style (leftmost placement, unchanged base first): chr3-49420203-GGGTATA-G. GRCh37 (hg19) VCF-style: chr3-49457636-GGGTATA-G.
Other names: c.303+2_303+7del (NM_001164711.2); c.340-421_340-416del (NM_001164710.2); c.471+2_471+7del (NM_001164712.2).
Identifiers: ClinVar variation 1972107 (VCV001972107.6), dbSNP rs2471154253, ClinGen allele CA2577770689.